The following is an entry in ClinVar:

NM_000823.4(GHRHR):c.181G>T (p.Gly61Trp)

Gene: GHRHR (growth hormone releasing hormone receptor; plus strand). Cytogenetic location: 7p14.3.
Variant type: single nucleotide variant.
Coding change: c.181G>T on transcript NM_000823.4 (MANE Select); coding-DNA position 181, G replaced by T.
Protein change: p.Gly61Trp; replaces glycine 61 with tryptophan.
Molecular consequence: missense variant.
Genome position (GRCh38, 1-based): chr7:30,969,083, G>T. VCF-style: chr7-30969083-G-T. GRCh37 (hg19) VCF-style: chr7-31008698-G-T.
Other names: short protein forms G61W.
Identifiers: ClinVar variation 4536855 (VCV004536855.1).
Genomic context (GRCh38, chr7:30,969,083, plus strand): 5'-ACCTGGGCTGAGTCTCTGCTGCTCCTGGCTCTCTATCCAGGCTGCCCTGCGACCTGGGAT[G>T]GGCTGCTGTGCTGGCCAACGGCAGGCTCTGGCGAGTGGGTCACCCTCCCCTGCCCGGATT-3'
Protein context (NP_000814.2, residues 51-71): TTLGCPATWD[Gly61Trp]LLCWPTAGSG

ClinVar aggregate classification (germline): Uncertain significance (1 of 4 stars; one submission).

Submission:

Women's Health and Genetics/Laboratory Corporation of America, LabCorp
Classification: Uncertain significance. Last evaluated: 2025-11-11. Review status: criteria provided, single submitter. Criteria: LabCorp Variant Classification Summary - May 2015. Collection method: clinical testing. Allele origin: germline.
Comment: Variant summary: GHRHR c.181G>T (p.Gly61Trp) results in a non-conservative amino acid change in the encoded protein sequence. Algorithms developed to predict the effect of missense changes on protein structure and function all suggest that this variant is likely to be disruptive. The variant was absent in 195712 control chromosomes. The available data on variant occurrences in the general population are insufficient to allow any conclusion about variant significance. To our knowledge, no occurrence of c.181G>T in individuals affected with GHRHR-related conditions and no experimental evidence demonstrating its impact on protein function have been reported. No submitters have cited clinical-significance assessments for this variant to ClinVar. Based on the evidence outlined above, the variant was classified as uncertain significance.